The following is an entry in ClinVar:

NM_004036.5(ADCY3):c.3280C>T (p.Arg1094Ter)

Genes: ADCY3 (adenylate cyclase 3; minus strand), CENPO (centromere protein O; plus strand). Cytogenetic location: 2p23.3.
Variant type: single nucleotide variant.
Coding change: c.3280C>T on transcript NM_004036.5 (MANE Select); coding-DNA position 3280, C replaced by T.
Protein change: p.Arg1094Ter; replaces arginine 1094 with a stop codon.
Molecular consequence: nonsense. On other transcripts: 3 prime UTR variant (4), non-coding transcript variant (3).
Genome position (GRCh38, 1-based): chr2:24,820,087, G>A on the plus strand (C>T on the coding strand, the complement: ADCY3 is on the minus strand). VCF-style: chr2-24820087-G-A. GRCh37 (hg19) VCF-style: chr2-25042956-G-A.
Other names: c.3283C>T (NM_001320613.1); c.3283C>T, p.Arg1095Ter (NM_001320613.2); c.3346C>T, p.Arg1116Ter (NM_001377128.1); c.3142C>T, p.Arg1048Ter (NM_001377129.1); c.*21C>T (NM_001377130.1); c.2557C>T, p.Arg853Ter (NM_001377131.1); c.3280C>T, p.Arg1094Ter (NM_001377132.1); c.*769G>A (NM_001199803.3, NM_001322101.2, NM_024322.4); short protein forms R1048*, R1095*, R853*, R1094*, R1116*.
Identifiers: ClinVar variation 4953961 (VCV004953961.2).

ClinVar aggregate classification (germline): Uncertain significance. Review status: criteria provided, multiple submitters, no conflicts (2 of 4 stars). 2 submissions from 2 submitters: Uncertain significance (2). Last evaluated 2025-09-10.

Conditions:
ADCY3-related disorder. Also called: ADCY3-related condition.

gnomAD v4.1: 4 of 1,560,790 alleles (0.00026%); highest among the groups gnomAD compares: South Asian, 0.0012%; no homozygotes.

Submissions (2):

PreventionGenetics, part of Exact Sciences
Classification: Uncertain significance for ADCY3-related condition. Last evaluated: 2025-09-10. Review status: criteria provided, single submitter. Criteria: ACMG Guidelines, 2015. Collection method: clinical testing. Allele origin: germline.
Comment: The ADCY3 c.3283C>T variant is predicted to result in premature protein termination (p.Arg1095*). To our knowledge, this variant has not been reported in the literature or in a large population database (gnomAD), indicating this variant is rare. Although we suspect that this variant may be pathogenic, at this time, the clinical significance of this variant is uncertain due to the absence of conclusive functional and genetic evidence.

Blueprint Genetics
Classification: Uncertain significance. Last evaluated: 2022-02-11. Review status: criteria provided, single submitter. Criteria: ACMG Guidelines, 2015. Collection method: clinical testing. Allele origin: germline.